The following is an entry in ClinVar:

ClinVar aggregate classification (germline): Uncertain significance. Review status: criteria provided, multiple submitters, no conflicts (2 of 4 stars). 6 submissions from 6 submitters: Uncertain significance (6). Last evaluated 2025-08-31.

Conditions:
Hereditary cancer-predisposing syndrome. Also called: Hereditary neoplastic syndrome; Neoplastic Syndromes, Hereditary; Tumor predisposition; Hereditary Cancer Syndrome. Identifiers: Orphanet 140162, MedGen C0027672, MeSH D009386, MONDO:0015356.
Familial thoracic aortic aneurysm and aortic dissection (TAAD). Also called: Thoracic aortic aneurysms and dissections. Identifiers: Orphanet 91387, MedGen C4707243, MONDO:0019625.
Juvenile polyposis syndrome (JPS). Identifiers: Orphanet 2929, MedGen C0345893, MONDO:0017380, OMIM 174900.
Familial pancreatic carcinoma. Identifiers: Orphanet 1333, MedGen C2931038, MONDO:0015278, OMIM 260350.
Myhre syndrome (MYHRS). Also called: LARYNGOTRACHEAL STENOSIS, ARTHROPATHY, PROGNATHISM, AND SHORT STATURE; LAPS SYNDROME. Identifiers: Orphanet 2588, MedGen C0796081, MONDO:0007688, OMIM 139210.
Juvenile polyposis/hereditary hemorrhagic telangiectasia syndrome (JPHT). Also called: Juvenile Polyposis Syndrome / Hereditary Hemorrhagic Telangiectasia (JPS/HHT); JP/HHT SYNDROME; JUVENILE POLYPOSIS WITH HEREDITARY HEMORRHAGIC TELANGIECTASIA; POLYPOSIS, GENERALIZED JUVENILE, WITH PULMONARY ARTERIOVENOUS MALFORMATION; TELANGIECTASIA, HEREDITARY HEMORRHAGIC, WITH JUVENILE POLYPOSIS COLI. Identifiers: Orphanet 2929, MedGen C1832942, MONDO:0008278, OMIM 175050.

Allele frequency attached by ClinVar (database versions not stated): gnomAD exomes below 0.00001; ExAC 0.00001.
gnomAD v4.1: 3 of 1,614,190 alleles (0.00019%); highest among the groups gnomAD compares: East Asian, 0.0067%; no homozygotes.

Submissions (6):

Ambry Genetics
Classification: Uncertain significance for Hereditary cancer-predisposing syndrome; Familial thoracic aortic aneurysm and aortic dissection. Last evaluated: 2025-08-31. Review status: criteria provided, single submitter. Criteria: Ambry Variant Classification Scheme 2023. Collection method: clinical testing. Allele origin: germline.

Labcorp Genetics (formerly Invitae), Labcorp
Classification: Uncertain significance for Juvenile polyposis syndrome. Last evaluated: 2025-04-28. Review status: criteria provided, single submitter. Criteria: Invitae Variant Classification Sherloc (09022015). Collection method: clinical testing. Allele origin: germline.
Comment: This sequence change replaces serine, which is neutral and polar, with arginine, which is basic and polar, at codon 234 of the SMAD4 protein (p.Ser234Arg). This variant is present in population databases (rs758642067, gnomAD 0.006%). This missense change has been observed in individual(s) with aortopathy (PMID: 27611364). ClinVar contains an entry for this variant (Variation ID: 630393). Invitae Evidence Modeling of protein sequence and biophysical properties (such as structural, functional, and spatial information, amino acid conservation, physicochemical variation, residue mobility, and thermodynamic stability) indicates that this missense variant is not expected to disrupt SMAD4 protein function with a negative predictive value of 95%. In summary, the available evidence is currently insufficient to determine the role of this variant in disease. Therefore, it has been classified as a Variant of Uncertain Significance.

GeneDx
Classification: Uncertain significance. Last evaluated: 2025-04-01. Review status: criteria provided, single submitter. Criteria: GeneDx Variant Classification Process June 2021. Collection method: clinical testing. Allele origin: germline. Affected: yes.
Comment: Not observed at significant frequency in large population cohorts (gnomAD); In silico analysis indicates that this missense variant does not alter protein structure/function; Observed in a study of aortic disease or Marfan syndrome; however, limited clinical information was provided (PMID: 27611364); Observed in both cases and controls in a study of bliary tract cancer (PMID: 36243179); This variant is associated with the following publications: (PMID: 15235019, 18823382, 22992590, 27611364, 36243179)

Center for Genomic Medicine, Rigshospitalet, Copenhagen University Hospital
Classification: Uncertain significance. Last evaluated: 2025-03-04. Review status: criteria provided, single submitter. Criteria: ACMG Guidelines, 2015. Collection method: clinical testing. Allele origin: germline.

Fulgent Genetics
Classification: Uncertain significance for Myhre syndrome; Juvenile polyposis syndrome; Juvenile polyposis/hereditary hemorrhagic telangiectasia syndrome; Familial pancreatic carcinoma. Last evaluated: 2024-06-20. Review status: criteria provided, single submitter. Criteria: ACMG Guidelines, 2015. Collection method: clinical testing. Allele origin: germline.

Color Diagnostics, LLC DBA Color Health
Classification: Uncertain significance for Hereditary cancer-predisposing syndrome. Last evaluated: 2021-03-22. Review status: criteria provided, single submitter. Criteria: ACMG Guidelines, 2015. Collection method: clinical testing. Allele origin: germline.
Comment: This missense variant replaces serine with arginine at codon 234 of the SMAD4 protein. Computational prediction suggests that this variant may not impact protein structure and function (internally defined REVEL score threshold <= 0.5, PMID: 27666373). To our knowledge, functional studies have not been reported for this variant. This variant has not been reported in individuals affected with hereditary cancer in the literature. This variant has been identified in 1/251404 chromosomes in the general population by the Genome Aggregation Database (gnomAD). The available evidence is insufficient to determine the role of this variant in disease conclusively. Therefore, this variant is classified as a Variant of Uncertain Significance.

Literature cited by the submitters: PubMed 27611364 (cited by Labcorp Genetics (formerly Invitae), Labcorp and Center for Genomic Medicine, Rigshospitalet, Copenhagen University Hospital).

NM_005359.6(SMAD4):c.700A>C (p.Ser234Arg)

Gene: SMAD4 (SMAD family member 4; plus strand). Cytogenetic location: 18q21.2.
Variant type: single nucleotide variant.
Coding change: c.700A>C on transcript NM_005359.6 (MANE Select); coding-DNA position 700, A replaced by C.
Protein change: p.Ser234Arg; replaces serine 234 with arginine.
Molecular consequence: missense variant.
Genome position (GRCh38, 1-based): chr18:51,058,157, A>C. VCF-style: chr18-51058157-A-C. GRCh37 (hg19) VCF-style: chr18-48584527-A-C.
Other names: short protein forms S234R.
Identifiers: ClinVar variation 630393 (VCV000630393.20), dbSNP rs758642067, ClinGen allele CA8965891.